The following is an entry in ClinVar:

ClinVar aggregate classification (germline): Uncertain significance (1 of 4 stars; one submission).

gnomAD v4.1: 1 of 1,614,208 alleles (0.000062%); no homozygotes.

Submission:

Labcorp Genetics (formerly Invitae), Labcorp
Classification: Uncertain significance. Last evaluated: 2023-11-18. Review status: criteria provided, single submitter. Criteria: Invitae Variant Classification Sherloc (09022015). Collection method: clinical testing. Allele origin: germline.
Comment: This sequence change replaces lysine, which is basic and polar, with arginine, which is basic and polar, at codon 1919 of the FLNB protein (p.Lys1919Arg). This variant is not present in population databases (gnomAD no frequency). This variant has not been reported in the literature in individuals affected with FLNB-related conditions. ClinVar contains an entry for this variant (Variation ID: 1717598). Advanced modeling of protein sequence and biophysical properties (such as structural, functional, and spatial information, amino acid conservation, physicochemical variation, residue mobility, and thermodynamic stability) performed at Invitae indicates that this missense variant is not expected to disrupt FLNB protein function with a negative predictive value of 95%. In summary, the available evidence is currently insufficient to determine the role of this variant in disease. Therefore, it has been classified as a Variant of Uncertain Significance.

NM_001457.4(FLNB):c.5756A>G (p.Lys1919Arg)

Gene: FLNB (filamin B; plus strand). Cytogenetic location: 3p14.3.
Variant type: single nucleotide variant.
Coding change: c.5756A>G on transcript NM_001457.4 (MANE Select); coding-DNA position 5756, A replaced by G.
Protein change: p.Lys1919Arg; replaces lysine 1919 with arginine.
Molecular consequence: missense variant.
Genome position (GRCh38, 1-based): chr3:58,148,233, A>G. VCF-style: chr3-58148233-A-G. GRCh37 (hg19) VCF-style: chr3-58133960-A-G.
Other names: c.5849A>G, p.Lys1950Arg (NM_001164317.2); c.5723A>G, p.Lys1908Arg (NM_001164318.2); c.5684A>G, p.Lys1895Arg (NM_001164319.2); short protein forms K1895R, K1908R, K1919R, K1950R.
Identifiers: ClinVar variation 1717598 (VCV001717598.5), dbSNP rs2471204070, ClinGen allele CA353355536.
Genomic context (GRCh38, chr3:58,148,233, plus strand): 5'-TAACGGGAGTCCTTTTTGGGGGATGTTTCCCAGATGACAGCAGGCGGTGCTCCCAGGTGA[A>G]GTTGGGCTCAGCCGCTGACTTCCTGCTCGACATCAGTGAGACTGACCTCAGCAGCCTGAC-3'
Protein context (NP_001448.2, residues 1909-1929): TDDSRRCSQV[Lys1919Arg]LGSAADFLLD